The following is an entry in ClinVar:

ClinVar aggregate classification (germline): Uncertain significance (1 of 4 stars; one submission).

Allele frequency attached by ClinVar (database versions not stated): TOPMed 0.00002; gnomAD 0.00003 and 0.00004; gnomAD exomes 0.00003 and 0.00004; ExAC 0.00004.
gnomAD v4.1: 45 of 1,613,156 alleles (0.0028%); highest among the groups gnomAD compares: African/African-American, 0.0093%; no homozygotes.

Submission:

Labcorp Genetics (formerly Invitae), Labcorp
Classification: Uncertain significance. Last evaluated: 2024-04-10. Review status: criteria provided, single submitter. Criteria: Invitae Variant Classification Sherloc (09022015). Collection method: clinical testing. Allele origin: germline.
Comment: This sequence change replaces asparagine, which is neutral and polar, with serine, which is neutral and polar, at codon 1005 of the HPS5 protein (p.Asn1005Ser). This variant is present in population databases (rs773572686, gnomAD 0.008%). This variant has not been reported in the literature in individuals affected with HPS5-related conditions. ClinVar contains an entry for this variant (Variation ID: 1411092). An algorithm developed to predict the effect of missense changes on protein structure and function (PolyPhen-2) suggests that this variant¬†is likely to be tolerated. In summary, the available evidence is currently insufficient to determine the role of this variant in disease. Therefore, it has been classified as a Variant of Uncertain Significance.

NM_181507.2(HPS5):c.3014A>G (p.Asn1005Ser)

Gene: HPS5 (HPS5 biogenesis of lysosomal organelles complex 2 subunit 2; minus strand). Cytogenetic location: 11p15.1.
Variant type: single nucleotide variant.
Coding change: c.3014A>G on transcript NM_181507.2 (MANE Select); coding-DNA position 3014, A replaced by G.
Protein change: p.Asn1005Ser; replaces asparagine 1005 with serine.
Molecular consequence: missense variant.
Genome position (GRCh38, 1-based): chr11:18,283,839, T>C on the plus strand (A>G on the coding strand, the complement: HPS5 is on the minus strand). VCF-style: chr11-18283839-T-C. GRCh37 (hg19) VCF-style: chr11-18305386-T-C.
Other names: c.2672A>G, p.Asn891Ser (NM_007216.4, NM_181508.2); short protein forms N891S, N1005S.
Identifiers: ClinVar variation 1411092 (VCV001411092.4), dbSNP rs773572686, ClinGen allele CA5909676.